The following is an entry in ClinVar:

ClinVar aggregate classification (germline): Uncertain significance. Review status: criteria provided, multiple submitters, no conflicts (2 of 4 stars). 3 submissions from 3 submitters: Uncertain significance (3). Last evaluated 2025-07-01.

Conditions:
Malignant hyperthermia, susceptibility to, 1 (MHS1). Also called: Anesthesia related hyperthermia; Malignant hyperpyrexia; Fulminating hyperpyrexia; Pharmacogenic myopathy; RYR1-Related Malignant Hyperthermia Susceptibility; Malignant hyperthermia suceptibility 1. Identifiers: Orphanet 423, MedGen C2930980, MONDO:0007783, OMIM 145600.

Allele frequency attached by ClinVar (database versions not stated): gnomAD exomes below 0.00001 and 0.00001.
gnomAD v4.1: 9 of 1,613,968 alleles (0.00056%); highest among the groups gnomAD compares: Non-Finnish European, 0.00076%; no homozygotes.

Submissions (3):

Color Diagnostics, LLC DBA Color Health
Classification: Uncertain significance for Malignant hyperthermia, susceptibility to, 1. Last evaluated: 2025-07-01. Review status: criteria provided, single submitter. Criteria: ACMG Guidelines, 2015. Collection method: clinical testing. Allele origin: germline.
Comment: This missense variant replaces isoleucine with valine at codon 4574 of the RYR1 protein. Computational prediction is inconclusive regarding the impact of this variant on protein structure and function. To our knowledge, functional studies have not been reported for this variant. This variant has not been reported in individuals affected with RYR1-related disorders in the literature. This variant has been identified in 1/251496 chromosomes in the general population by the Genome Aggregation Database (gnomAD). The available evidence is insufficient to determine the role of this variant in disease conclusively. Therefore, this variant is classified as a Variant of Uncertain Significance.

All of Us Research Program, National Institutes of Health
Classification: Uncertain significance for Malignant hyperthermia, susceptibility to, 1. Last evaluated: 2024-01-11. Review status: criteria provided, single submitter. Criteria: ACMG Guidelines, 2015. Collection method: clinical testing. Allele origin: germline. Inheritance: Autosomal dominant inheritance. Observed: 3 variant alleles, 3 heterozygotes.
Comment: This missense variant replaces isoleucine with valine at codon 4574 of the RYR1 protein. Computational prediction is inconclusive regarding the impact of this variant on protein structure and function (internally defined REVEL score threshold 0.5 < inconclusive < 0.7, PMID: 27666373). To our knowledge, functional studies have not been reported for this variant. This variant has not been reported in individuals affected with RYR1-related disorders in the literature. This variant has been identified in 1/251496 chromosomes in the general population by the Genome Aggregation Database (gnomAD). The available evidence is insufficient to determine the role of this variant in disease conclusively. Therefore, this variant is classified as a Variant of Uncertain Significance.

This study involves interpretation of variants in research participants for the purpose of population health screening. Participant phenotype was not available at the time of variant classification. Additional details can be found in publication PMID: 35346344, PMCID: PMC8962531

PreventionGenetics, part of Exact Sciences
Classification: Uncertain significance. Last evaluated: 2013-10-29. Review status: criteria provided, single submitter. Criteria: ACMG Guidelines, 2015. Collection method: clinical testing. Allele origin: germline.

NM_000540.3(RYR1):c.13720A>G (p.Ile4574Val)

Gene: RYR1 (ryanodine receptor 1; plus strand). Cytogenetic location: 19q13.2.
Variant type: single nucleotide variant.
Coding change: c.13720A>G on transcript NM_000540.3 (MANE Select); coding-DNA position 13720, A replaced by G.
Protein change: p.Ile4574Val; replaces isoleucine 4574 with valine.
Molecular consequence: missense variant.
Genome position (GRCh38, 1-based): chr19:38,570,667, A>G. VCF-style: chr19-38570667-A-G. GRCh37 (hg19) VCF-style: chr19-39061307-A-G.
Other names: c.13705A>G, p.Ile4569Val (NM_001042723.2); short protein forms I4574V, I4569V.
Identifiers: ClinVar variation 590435 (VCV000590435.4), dbSNP rs1458472157, ClinGen allele CA405678898.